The following is an entry in ClinVar:

ClinVar aggregate classification (germline): Uncertain significance. Review status: criteria provided, multiple submitters, no conflicts (2 of 4 stars). 4 submissions from 4 submitters: Uncertain significance (3). 1 of the submissions does not count toward it. Last evaluated 2024-11-19.

Conditions:
Hereditary cancer-predisposing syndrome. Also called: Neoplastic Syndromes, Hereditary; Hereditary neoplastic syndrome; Tumor predisposition; Hereditary Cancer Syndrome. Identifiers: Orphanet 140162, MedGen C0027672, MeSH D009386, MONDO:0015356.
Ataxia-telangiectasia syndrome (AT). Also called: Ataxia-telangiectasia, complementation group D; AT, COMPLEMENTATION GROUP C; Ataxia telangiectasia (A-T); Cerebello-oculocutaneous telangiectasia; Immunodeficiency with ataxia telangiectasia; ATAXIA-TELANGIECTASIA, COMPLEMENTATION GROUP A. Identifiers: Orphanet 100, MedGen C0004135, MONDO:0008840, OMIM 208900.

Allele frequency attached by ClinVar (database versions not stated): gnomAD exomes below 0.00001; TOPMed below 0.00001.
gnomAD v4.1: 2 of 1,613,546 alleles (0.00012%); highest among the groups gnomAD compares: Non-Finnish European, 0.000085%; no homozygotes.

Submissions (4):

Labcorp Genetics (formerly Invitae), Labcorp
Classification: Uncertain significance for Ataxia-telangiectasia syndrome. Last evaluated: 2024-11-19. Review status: criteria provided, single submitter. Criteria: Invitae Variant Classification Sherloc (09022015). Collection method: clinical testing. Allele origin: germline.
Comment: This sequence change replaces arginine, which is basic and polar, with serine, which is neutral and polar, at codon 76 of the ATM protein (p.Arg76Ser). This variant is not present in population databases (gnomAD no frequency). This variant has not been reported in the literature in individuals affected with ATM-related conditions. ClinVar contains an entry for this variant (Variation ID: 660737). Invitae Evidence Modeling of protein sequence and biophysical properties (such as structural, functional, and spatial information, amino acid conservation, physicochemical variation, residue mobility, and thermodynamic stability) indicates that this missense variant is not expected to disrupt ATM protein function with a negative predictive value of 95%. In summary, the available evidence is currently insufficient to determine the role of this variant in disease. Therefore, it has been classified as a Variant of Uncertain Significance.

Color Diagnostics, LLC DBA Color Health
Classification: Uncertain significance for Hereditary cancer-predisposing syndrome. Last evaluated: 2024-03-06. Review status: criteria provided, single submitter. Criteria: ACMG Guidelines, 2015. Collection method: clinical testing. Allele origin: germline.
Comment: This missense variant replaces arginine with serine at codon 76 of the ATM protein. Computational prediction suggests that this variant may not impact protein structure and function (internally defined REVEL score threshold <= 0.5, PMID: 27666373). To our knowledge, functional studies have not been reported for this variant. This variant has not been reported in individuals affected with hereditary cancer in the literature. This variant has not been identified in the general population by the Genome Aggregation Database (gnomAD). The available evidence is insufficient to determine the role of this variant in disease conclusively. Therefore, this variant is classified as a Variant of Uncertain Significance.

Ambry Genetics
Classification: Uncertain significance for Hereditary cancer-predisposing syndrome. Last evaluated: 2023-12-14. Review status: criteria provided, single submitter. Criteria: Ambry Variant Classification Scheme 2023. Collection method: clinical testing. Allele origin: germline.
Comment: The p.R76S variant (also known as c.228A>C), located in coding exon 3 of the ATM gene, results from an A to C substitution at nucleotide position 228. The arginine at codon 76 is replaced by serine, an amino acid with dissimilar properties. This amino acid position is conserved. In addition, this alteration is predicted to be tolerated by in silico analysis. Since supporting evidence is limited at this time, the clinical significance of this alteration remains unclear.

Natera, Inc.
Classification: Uncertain significance for Ataxia-telangiectasia. Last evaluated: 2020-09-22. Review status: no assertion criteria provided. Collection method: clinical testing. Allele origin: germline. Not counted in ClinVar's aggregate classification.

NM_000051.4(ATM):c.228A>C (p.Arg76Ser)

Gene: ATM (ATM serine/threonine kinase; plus strand). Cytogenetic location: 11q22.3.
Variant type: single nucleotide variant.
Coding change: c.228A>C on transcript NM_000051.4 (MANE Select); coding-DNA position 228, A replaced by C.
Protein change: p.Arg76Ser; replaces arginine 76 with serine.
Molecular consequence: missense variant.
Genome position (GRCh38, 1-based): chr11:108,229,220, A>C. VCF-style: chr11-108229220-A-C. GRCh37 (hg19) VCF-style: chr11-108099947-A-C.
Other names: c.228A>C, p.Arg76Ser (NM_001351836.2, NM_001351834.2, NM_001351835.2); short protein forms R76S.
Identifiers: ClinVar variation 660737 (VCV000660737.22), dbSNP rs1591451698, ClinGen allele CA382521449.